The following is an entry in ClinVar:

ClinVar aggregate classification (germline): Uncertain significance (1 of 4 stars; one submission).

Allele frequency attached by ClinVar (database versions not stated): TOPMed below 0.00001; gnomAD 0.00001.

Submission:

Labcorp Genetics (formerly Invitae), Labcorp
Classification: Uncertain significance. Last evaluated: 2022-07-22. Review status: criteria provided, single submitter. Criteria: Invitae Variant Classification Sherloc (09022015). Collection method: clinical testing. Allele origin: germline.
Comment: In summary, the available evidence is currently insufficient to determine the role of this variant in disease. Therefore, it has been classified as a Variant of Uncertain Significance. Variants that disrupt the consensus splice site are a relatively common cause of aberrant splicing (PMID: 17576681, 9536098). Algorithms developed to predict the effect of sequence changes on RNA splicing suggest that this variant is not likely to affect RNA splicing. This variant has not been reported in the literature in individuals affected with VPS13A-related conditions. This variant is not present in population databases (gnomAD no frequency). This sequence change falls in intron 27 of the VPS13A gene. It does not directly change the encoded amino acid sequence of the VPS13A protein. It affects a nucleotide within the consensus splice site.

Literature cited by the submitters: PubMed 17576681; PubMed 9536098.

NM_033305.3(VPS13A):c.2905-3T>C

Gene: VPS13A (vacuolar protein sorting 13 homolog A; plus strand). Cytogenetic location: 9q21.2.
Variant type: single nucleotide variant.
Coding change: c.2905-3T>C on transcript NM_033305.3 (MANE Select); 3 bases into the intron before coding-DNA position 2905, T replaced by C.
Molecular consequence: intron variant.
Genome position (GRCh38, 1-based): chr9:77,281,864, T>C. VCF-style: chr9-77281864-T-C. GRCh37 (hg19) VCF-style: chr9-79896780-T-C.
Other names: c.2905-3T>C (NM_001018037.2, NM_015186.4, NM_001018038.3).
Identifiers: ClinVar variation 2018931 (VCV002018931.4), dbSNP rs1296814984, ClinGen allele CA867102194.
Genomic context (GRCh38, chr9:77,281,864, plus strand): 5'-AATGTGATTGTATATGTATGTCTTCCTAACGTGTTCTAACAGATTTGTTTTCTCTTTGGA[T>C]AGGCTGAAAAGAATGTACCCGACTTGAAAAGTACCTATAACAATGTTTTACAATTGATTA-3'